The following is an entry in ClinVar:

NM_000090.4(COL3A1):c.4255-1G>T

Gene: COL3A1 (collagen type III alpha 1 chain; plus strand). Cytogenetic location: 2q32.2.
Variant type: single nucleotide variant.
Coding change: c.4255-1G>T on transcript NM_000090.4 (MANE Select); the canonical splice acceptor site of the intron before coding-DNA position 4255, G replaced by T.
Molecular consequence: splice acceptor variant.
Genome position (GRCh38, 1-based): chr2:189,011,627, G>T. VCF-style: chr2-189011627-G-T. GRCh37 (hg19) VCF-style: chr2-189876353-G-T.
Identifiers: ClinVar variation 952341 (VCV000952341.8), dbSNP rs1688728266, ClinGen allele CA349850193.

ClinVar aggregate classification (germline): Uncertain significance (1 of 4 stars; one submission).

Conditions:
Ehlers-Danlos syndrome, type 4 (EDSVASC). Also called: Ehlers-Danlos syndrome vascular type; Ehlers Danlos syndrome, ecchymotic type; Ehlers Danlos syndrome, arterial type; Ehlers Danlos syndrome, Sack-Barabas type; Ehlers-Danlos Syndrome Type IV. Identifiers: Orphanet 286, MedGen C0268338, MONDO:0017314, OMIM 130050.

Submission:

Labcorp Genetics (formerly Invitae), Labcorp
Classification: Uncertain significance for Ehlers-Danlos syndrome, type 4. Last evaluated: 2019-06-14. Review status: criteria provided, single submitter. Criteria: Invitae Variant Classification Sherloc (09022015). Collection method: clinical testing. Allele origin: germline.
Comment: This variant has not been reported in the literature in individuals with COL3A1-related conditions. In summary, the available evidence is currently insufficient to determine the role of this variant in disease. Therefore, it has been classified as a Variant of Uncertain Significance. Nucleotide substitutions within the consensus splice site are a relatively common cause of aberrant splicing (PMID: 17576681, 9536098). Algorithms developed to predict the effect of sequence changes on RNA splicing suggest that this variant may disrupt the consensus splice site, but this prediction has not been confirmed by published transcriptional studies. This variant is not present in population databases (ExAC no frequency). This sequence change affects an acceptor splice site in the last intron (intron 50) of the COL3A1 gene. While this is not anticipated to result in nonsense mediated decay, it likely alters RNA splicing and results in a disrupted protein product.

Literature cited by the submitters: PubMed 17576681; PubMed 9536098.